The following is an entry in ClinVar:

NM_004183.4(BEST1):c.588G>T (p.Trp196Cys)

Gene: BEST1 (bestrophin 1; plus strand). Cytogenetic location: 11q12.3.
Variant type: single nucleotide variant.
Coding change: c.588G>T on transcript NM_004183.4 (MANE Select); coding-DNA position 588, G replaced by T.
Protein change: p.Trp196Cys; replaces tryptophan 196 with cysteine.
Molecular consequence: missense variant. On other transcripts: non-coding transcript variant (1).
Genome position (GRCh38, 1-based): chr11:61,956,950, G>T. VCF-style: chr11-61956950-G-T. GRCh37 (hg19) VCF-style: chr11-61724422-G-T.
Other names: c.408G>T, p.Trp136Cys (NM_001139443.3, NM_001300786.2, NM_001300787.2); c.270G>T, p.Trp90Cys (NM_001363591.3); c.588G>T, p.Trp196Cys (NM_001363592.2); c.-588G>T (NM_001363593.3); short protein forms W90C, W196C, W136C.
Identifiers: ClinVar variation 2738042 (VCV002738042.3), dbSNP rs1941433498, ClinGen allele CA380837626.
Genomic context (GRCh38, chr11:61,956,950, plus strand): 5'-ACCACACAACATGTTCTGGGTGCCCTGGGTGTGGTTTGCCAACCTGTCAATGAAGGCGTG[G>T]CTTGGAGGTCGAATCCGGGACCCTATCCTGCTCCAGAGCCTGCTGAACGTGAGCCCACTG-3'
Protein context (NP_004174.1, residues 186-206): VWFANLSMKA[Trp196Cys]LGGRIRDPIL

ClinVar aggregate classification (germline): Uncertain significance (1 of 4 stars; one submission).

Submission:

Labcorp Genetics (formerly Invitae), Labcorp
Classification: Uncertain significance. Last evaluated: 2024-11-19. Review status: criteria provided, single submitter. Criteria: Invitae Variant Classification Sherloc (09022015). Collection method: clinical testing. Allele origin: germline.
Comment: This sequence change replaces tryptophan, which is neutral and slightly polar, with cysteine, which is neutral and slightly polar, at codon 196 of the BEST1 protein (p.Trp196Cys). This variant is not present in population databases (gnomAD no frequency). This variant has not been reported in the literature in individuals affected with BEST1-related conditions. ClinVar contains an entry for this variant (Variation ID: 2738042). Invitae Evidence Modeling of protein sequence and biophysical properties (such as structural, functional, and spatial information, amino acid conservation, physicochemical variation, residue mobility, and thermodynamic stability) indicates that this missense variant is expected to disrupt BEST1 protein function with a positive predictive value of 95%. In summary, the available evidence is currently insufficient to determine the role of this variant in disease. Therefore, it has been classified as a Variant of Uncertain Significance.